The following is an entry in ClinVar:

NM_000094.4(COL7A1):c.8428G>C (p.Ala2810Pro)

Gene: COL7A1 (collagen type VII alpha 1 chain; minus strand). Cytogenetic location: 3p21.31.
Variant type: single nucleotide variant.
Coding change: c.8428G>C on transcript NM_000094.4 (MANE Select); coding-DNA position 8428, G replaced by C.
Protein change: p.Ala2810Pro; replaces alanine 2810 with proline.
Molecular consequence: missense variant.
Genome position (GRCh38, 1-based): chr3:48,565,648, C>G on the plus strand (G>C on the coding strand, the complement: COL7A1 is on the minus strand). VCF-style: chr3-48565648-C-G. GRCh37 (hg19) VCF-style: chr3-48603081-C-G.
Other names: short protein forms A2810P.
Identifiers: ClinVar variation 4687550 (VCV004687550.1).

ClinVar aggregate classification (germline): Uncertain significance (1 of 4 stars; one submission).

gnomAD v4.1: 3 of 1,613,750 alleles (0.00019%); highest among the groups gnomAD compares: South Asian, 0.0033%; no homozygotes.

Submission:

Women's Health and Genetics/Laboratory Corporation of America, LabCorp
Classification: Uncertain significance. Last evaluated: 2025-10-06. Review status: criteria provided, single submitter. Criteria: LabCorp Variant Classification Summary - May 2015. Collection method: clinical testing. Allele origin: germline.
Comment: Variant summary: COL7A1 c.8428G>C (p.Ala2810Pro) results in a non-conservative amino acid change in the encoded protein sequence. Algorithms developed to predict the effect of missense changes on protein structure and function are either unavailable or do not agree on the potential impact of this missense change. The variant allele was found at a frequency of 8e-06 in 249744 control chromosomes. The available data on variant occurrences in the general population are insufficient to allow any conclusion about variant significance. To our knowledge, no occurrence of c.8428G>C in individuals affected with COL7A1-related conditions and no experimental evidence demonstrating its impact on protein function have been reported. No submitters have cited clinical-significance assessments for this variant to ClinVar. Based on the evidence outlined above, the variant was classified as uncertain significance.